The following is an entry in ClinVar:

NM_001349253.2(SCN11A):c.274A>G (p.Met92Val)

Gene: SCN11A (sodium voltage-gated channel alpha subunit 11; minus strand). Cytogenetic location: 3p22.2.
Variant type: single nucleotide variant.
Coding change: c.274A>G on transcript NM_001349253.2 (MANE Select); coding-DNA position 274, A replaced by G.
Protein change: p.Met92Val; replaces methionine 92 with valine.
Molecular consequence: missense variant.
Genome position (GRCh38, 1-based): chr3:38,946,901, T>C on the plus strand (A>G on the coding strand, the complement: SCN11A is on the minus strand). VCF-style: chr3-38946901-T-C. GRCh37 (hg19) VCF-style: chr3-38988392-T-C.
Other names: c.274A>G, p.Met92Val (NM_014139.3); c.274A>G (NM_014139.2); short protein forms M92V.
Identifiers: ClinVar variation 2156548 (VCV002156548.5), dbSNP rs2066526330, ClinGen allele CA352175722.
Genomic context (GRCh38, chr3:38,946,901, plus strand): 5'-AAATGAACAAGGCATGCTTGGCACTGAAGCGGTAGATTGTCCTCTTTCTGTTTAACACCA[T>C]AAATGTCTGCAAAACAAAAAAAACAATACAAGAAAACACACACATACACAACAGGAATTA-3'
Protein context (NP_001336182.1, residues 82-102): DPFYRNHKTF[Met92Val]VLNRKRTIYR

ClinVar aggregate classification (germline): Uncertain significance. Review status: criteria provided, multiple submitters, no conflicts (2 of 4 stars). 2 submissions from 2 submitters: Uncertain significance (2). Last evaluated 2024-01-03.

Conditions:
Hereditary sensory and autonomic neuropathy type 7. Also called: Neuropathy, hereditary sensory and autonomic, type VII; HSAN VII. Identifiers: Orphanet 391397, MedGen C3809882, MONDO:0014244, OMIM 615548.
Familial episodic pain syndrome with predominantly lower limb involvement. Also called: Episodic pain syndrome, familial, 3. Identifiers: Orphanet 391384, Orphanet 391392, MedGen C3809899, MONDO:0014247, OMIM 615552.
Inborn genetic diseases. Identifiers: MedGen C0950123, MeSH D030342.

Allele frequency attached by ClinVar (database versions not stated): TOPMed below 0.00001; gnomAD 0.00001; gnomAD exomes 0.00001.
gnomAD v4.1: 16 of 1,593,042 alleles (0.001%); highest among the groups gnomAD compares: Non-Finnish European, 0.0014%; no homozygotes.

Submissions (2):

Ambry Genetics
Classification: Uncertain significance for Inborn genetic diseases. Last evaluated: 2024-01-03. Review status: criteria provided, single submitter. Criteria: Ambry Variant Classification Scheme 2023. Collection method: clinical testing. Allele origin: germline.

Labcorp Genetics (formerly Invitae), Labcorp
Classification: Uncertain significance for Familial episodic pain syndrome with predominantly lower limb involvement; Hereditary sensory and autonomic neuropathy type 7. Last evaluated: 2022-06-09. Review status: criteria provided, single submitter. Criteria: Invitae Variant Classification Sherloc (09022015). Collection method: clinical testing. Allele origin: germline.
Comment: In summary, the available evidence is currently insufficient to determine the role of this variant in disease. Therefore, it has been classified as a Variant of Uncertain Significance. Algorithms developed to predict the effect of missense changes on protein structure and function are either unavailable or do not agree on the potential impact of this missense change (SIFT: "Deleterious"; PolyPhen-2: "Benign"; Align-GVGD: "Class C15"). This variant has not been reported in the literature in individuals affected with SCN11A-related conditions. This variant is not present in population databases (gnomAD no frequency). This sequence change replaces methionine, which is neutral and non-polar, with valine, which is neutral and non-polar, at codon 92 of the SCN11A protein (p.Met92Val).